The following is an entry in ClinVar:

NM_003924.4(PHOX2B):c.795G>T (p.Ala265=)

Gene: PHOX2B (paired like homeobox 2B; minus strand). Cytogenetic location: 4p13.
Variant type: single nucleotide variant.
Coding change: c.795G>T on transcript NM_003924.4 (MANE Select); coding-DNA position 795, G replaced by T.
Protein change: p.Ala265=; no amino-acid change (alanine 265 retained).
Molecular consequence: synonymous variant.
Genome position (GRCh38, 1-based): chr4:41,745,957, C>A on the plus strand (G>T on the coding strand, the complement: PHOX2B is on the minus strand). VCF-style: chr4-41745957-C-A. GRCh37 (hg19) VCF-style: chr4-41747974-C-A.
Identifiers: ClinVar variation 676276 (VCV000676276.13), dbSNP rs1440737466, ClinGen allele CA439142962.

ClinVar aggregate classification (germline): Likely benign. Review status: criteria provided, multiple submitters, no conflicts (2 of 4 stars). 4 submissions from 4 submitters: Likely benign (4). Last evaluated 2023-12-07.

Conditions:
Haddad syndrome (OHD). Also called: Ondine-Hirschsprung disease. Identifiers: Orphanet 99803, MedGen C1859049, MONDO:0020493.
Hereditary cancer-predisposing syndrome. Also called: Neoplastic Syndromes, Hereditary; Tumor predisposition; Hereditary neoplastic syndrome; Hereditary Cancer Syndrome. Identifiers: Orphanet 140162, MedGen C0027672, MeSH D009386, MONDO:0015356.

gnomAD v4.1: 7 of 1,445,718 alleles (0.00048%); highest among the groups gnomAD compares: Non-Finnish European, 0.00064%; no homozygotes.

Submissions (4):

Labcorp Genetics (formerly Invitae), Labcorp
Classification: Likely benign for Haddad syndrome. Last evaluated: 2023-12-07. Review status: criteria provided, single submitter. Criteria: Invitae Variant Classification Sherloc (09022015). Collection method: clinical testing. Allele origin: germline.

Sema4
Classification: Likely benign for Hereditary cancer-predisposing syndrome. Last evaluated: 2021-08-24. Review status: criteria provided, single submitter. Criteria: Sema4 Curation Guidelines. Collection method: curation. Allele origin: germline.

Ambry Genetics
Classification: Likely benign for Hereditary cancer-predisposing syndrome. Last evaluated: 2020-08-12. Review status: criteria provided, single submitter. Criteria: Ambry Variant Classification Scheme 2023. Collection method: clinical testing. Allele origin: germline.

GeneDx
Classification: Likely benign. Last evaluated: 2018-04-23. Review status: criteria provided, single submitter. Criteria: GeneDx Variant Classification (06012015). Collection method: clinical testing. Allele origin: germline. Affected: yes.
Comment: This variant is considered likely benign or benign based on one or more of the following criteria: it is a conservative change, it occurs at a poorly conserved position in the protein, it is predicted to be benign by multiple in silico algorithms, and/or has population frequency not consistent with disease.